The following is an entry in ClinVar:

ClinVar aggregate classification (germline): Uncertain significance. Review status: criteria provided, multiple submitters, no conflicts (2 of 4 stars). 2 submissions from 2 submitters: Uncertain significance (2). Last evaluated 2024-10-24.

Conditions:
Severe combined immunodeficiency due to CORO1A deficiency. Also called: IMMUNODEFICIENCY 8 WITH LYMPHOPROLIFERATION; Immunodeficiency 8. Identifiers: Orphanet 228003, MedGen C3809383, MONDO:0014168, OMIM 615401.

gnomAD v4.1: 3 of 1,614,010 alleles (0.00019%); highest among the groups gnomAD compares: Non-Finnish European, 0.000085%; no homozygotes.

Submissions (2):

Labcorp Genetics (formerly Invitae), Labcorp
Classification: Uncertain significance for Severe combined immunodeficiency due to CORO1A deficiency. Last evaluated: 2024-10-24. Review status: criteria provided, single submitter. Criteria: Invitae Variant Classification Sherloc (09022015). Collection method: clinical testing. Allele origin: germline.
Comment: This sequence change replaces arginine, which is basic and polar, with glutamine, which is neutral and polar, at codon 293 of the CORO1A protein (p.Arg293Gln). This variant is not present in population databases (gnomAD no frequency). This variant has not been reported in the literature in individuals affected with CORO1A-related conditions. ClinVar contains an entry for this variant (Variation ID: 2026509). Invitae Evidence Modeling of protein sequence and biophysical properties (such as structural, functional, and spatial information, amino acid conservation, physicochemical variation, residue mobility, and thermodynamic stability) has been performed for this missense variant. However, the output from this modeling did not meet the statistical confidence thresholds required to predict the impact of this variant on CORO1A protein function. In summary, the available evidence is currently insufficient to determine the role of this variant in disease. Therefore, it has been classified as a Variant of Uncertain Significance.

Blueprint Genetics
Classification: Uncertain significance. Last evaluated: 2023-06-20. Review status: criteria provided, single submitter. Criteria: ACMG Guidelines, 2015. Collection method: clinical testing. Allele origin: germline.

NM_007074.4(CORO1A):c.878G>A (p.Arg293Gln)

Gene: CORO1A (coronin 1A; plus strand). Cytogenetic location: 16p11.2.
Variant type: single nucleotide variant.
Coding change: c.878G>A on transcript NM_007074.4 (MANE Select); coding-DNA position 878, G replaced by A.
Protein change: p.Arg293Gln; replaces arginine 293 with glutamine.
Molecular consequence: missense variant.
Genome position (GRCh38, 1-based): chr16:30,187,958, G>A. VCF-style: chr16-30187958-G-A. GRCh37 (hg19) VCF-style: chr16-30199279-G-A.
Other names: c.878G>A, p.Arg293Gln (NM_001193333.3); short protein forms R293Q.
Identifiers: ClinVar variation 2026509 (VCV002026509.4), dbSNP rs2543757665, ClinGen allele CA395497423.